The following is an entry in ClinVar:

ClinVar aggregate classification (germline): Uncertain significance (1 of 4 stars; one submission).

Allele frequency attached by ClinVar (database versions not stated): gnomAD 0.00001; TOPMed 0.00002; gnomAD exomes 0.00003.

Submission:

Ambry Genetics
Classification: Uncertain significance. Last evaluated: 2019-09-20. Review status: criteria provided, single submitter. Criteria: Ambry Variant Classification Scheme 2023. Collection method: clinical testing. Allele origin: germline.
Comment: The p.V1169L variant (also known as c.3505G>C), located in coding exon 21 of the FBXO38 gene, results from a G to C substitution at nucleotide position 3505. The valine at codon 1169 is replaced by leucine, an amino acid with highly similar properties. This amino acid position is highly conserved in available vertebrate species. In addition, the in silico prediction for this alteration is inconclusive. Since supporting evidence is limited at this time, the clinical significance of this alteration remains unclear.

NM_205836.3(FBXO38):c.3505G>C (p.Val1169Leu)

Gene: FBXO38 (F-box protein 38; plus strand). Cytogenetic location: 5q32.
Variant type: single nucleotide variant.
Coding change: c.3505G>C on transcript NM_205836.3 (MANE Select); coding-DNA position 3505, G replaced by C.
Protein change: p.Val1169Leu; replaces valine 1169 with leucine.
Molecular consequence: missense variant.
Genome position (GRCh38, 1-based): chr5:148,442,085, G>C. VCF-style: chr5-148442085-G-C. GRCh37 (hg19) VCF-style: chr5-147821648-G-C.
Other names: c.2770G>C, p.Val924Leu (NM_001271723.2); c.3280G>C, p.Val1094Leu (NM_030793.5); short protein forms V1169L, V924L, V1094L.
Identifiers: ClinVar variation 1732111 (VCV001732111.2), dbSNP rs1032193147, ClinGen allele CA128957236.